The following is an entry in ClinVar:

NM_004519.4(KCNQ3):c.2152G>A (p.Val718Met)

Gene: KCNQ3 (potassium voltage-gated channel subfamily Q member 3; minus strand). Cytogenetic location: 8q24.22.
Variant type: single nucleotide variant.
Coding change: c.2152G>A on transcript NM_004519.4 (MANE Select); coding-DNA position 2152, G replaced by A.
Protein change: p.Val718Met; replaces valine 718 with methionine.
Molecular consequence: missense variant.
Genome position (GRCh38, 1-based): chr8:132,129,729, C>T on the plus strand (G>A on the coding strand, the complement: KCNQ3 is on the minus strand). VCF-style: chr8-132129729-C-T. GRCh37 (hg19) VCF-style: chr8-133141976-C-T.
Other names: c.1792G>A, p.Val598Met (NM_001204824.2); short protein forms V598M, V718M.
Identifiers: ClinVar variation 3637105 (VCV003637105.2).
Genomic context (GRCh38, chr8:132,129,729, plus strand): 5'-CTGAGGAAGGAGGAGTTGCCTGAACCTTTCCAGAACTGGGTCCCCCTCGGGGCAGGTTCA[C>T]AGGGTCATGTGCAAAAAACCCATAGGGGCTGACTTTGTCAATGGTCACCTGGTGGAAGCT-3'
Protein context (NP_004510.1, residues 708-728): SPYGFFAHDP[Val718Met]NLPRGGPSSG

ClinVar aggregate classification (germline): Uncertain significance (1 of 4 stars; one submission).

Conditions:
Benign neonatal seizures. Also called: Benign familial neonatal seizures; Convulsions benign familial neonatal dominant form; Autosomal dominant form of benign neonatal seizures; Benign neonatal familial convulsions; Benign familial neonatal epilepsy. Identifiers: Orphanet 1949, MedGen C0220669, MONDO:0016027.

Submission:

Labcorp Genetics (formerly Invitae), Labcorp
Classification: Uncertain significance for Benign neonatal seizures. Last evaluated: 2024-12-31. Review status: criteria provided, single submitter. Criteria: Invitae Variant Classification Sherloc (09022015). Collection method: clinical testing. Allele origin: germline.
Comment: This sequence change replaces valine, which is neutral and non-polar, with methionine, which is neutral and non-polar, at codon 718 of the KCNQ3 protein (p.Val718Met). This variant is not present in population databases (gnomAD no frequency). This variant has not been reported in the literature in individuals affected with KCNQ3-related conditions. Invitae Evidence Modeling of protein sequence and biophysical properties (such as structural, functional, and spatial information, amino acid conservation, physicochemical variation, residue mobility, and thermodynamic stability) indicates that this missense variant is not expected to disrupt KCNQ3 protein function with a negative predictive value of 95%. In summary, the available evidence is currently insufficient to determine the role of this variant in disease. Therefore, it has been classified as a Variant of Uncertain Significance.